The following is an entry in ClinVar:

ClinVar aggregate classification (germline): Pathogenic (1 of 4 stars; one submission).

Conditions:
Osteogenesis imperfecta type 8 (OI8). Identifiers: MedGen C1970458, MONDO:0012581, OMIM 610915.

Submission:

Labcorp Genetics (formerly Invitae), Labcorp
Classification: Pathogenic for Osteogenesis imperfecta type 8. Last evaluated: 2021-11-27. Review status: criteria provided, single submitter. Criteria: Invitae Variant Classification Sherloc (09022015). Collection method: clinical testing. Allele origin: germline.
Comment: For these reasons, this variant has been classified as Pathogenic. Algorithms developed to predict the effect of sequence changes on RNA splicing suggest that this variant may disrupt the consensus splice site. Disruption of this splice site has been observed in individual(s) with osteogenesis imperfecta (PMID: 23613367). This variant is not present in population databases (gnomAD no frequency). This sequence change affects a donor splice site in intron 7 of the P3H1 gene. It is expected to disrupt RNA splicing. Variants that disrupt the donor or acceptor splice site typically lead to a loss of protein function (PMID: 16199547), and loss-of-function variants in P3H1 are known to be pathogenic (PMID: 17277775, 18566967, 19088120, 22281939).

Literature cited by the submitters: PubMed 23613367; PubMed 16199547; PubMed 17277775; PubMed 18566967; PubMed 19088120; PubMed 22281939.

NM_022356.4(P3H1):c.1223+2T>C

Gene: P3H1 (prolyl 3-hydroxylase 1; minus strand). Cytogenetic location: 1p34.2.
Variant type: single nucleotide variant.
Coding change: c.1223+2T>C on transcript NM_022356.4 (MANE Select); the canonical splice donor site of the intron after coding-DNA position 1223, T replaced by C.
Molecular consequence: splice donor variant.
Genome position (GRCh38, 1-based): chr1:42,755,163, A>G on the plus strand (T>C on the coding strand, the complement: P3H1 is on the minus strand). VCF-style: chr1-42755163-A-G. GRCh37 (hg19) VCF-style: chr1-43220834-A-G.
Other names: c.1223+2T>C (NM_001146289.2, NM_001243246.2).
Identifiers: ClinVar variation 1460006 (VCV001460006.6), dbSNP rs2124122351, ClinGen allele CA339957956.
Genomic context (GRCh38, chr1:42,755,163, plus strand): 5'-TCAGGAAGCCTCAAGTGCTTCATCAGACTGATCCAACCATGCAGTTTCTTCAAGGTCCTC[A>G]CTTCTGTTTCTCTTGCAATCTCTTGGGAATCACTTCTTCTGGAGTCCATGAATCCTAAGT-3'